The following is an entry in ClinVar:

NM_001199753.2(CPT1C):c.709G>A (p.Glu237Lys)

Gene: CPT1C (carnitine palmitoyltransferase 1C; plus strand). Cytogenetic location: 19q13.33.
Variant type: single nucleotide variant.
Coding change: c.709G>A on transcript NM_001199753.2 (MANE Select); coding-DNA position 709, G replaced by A.
Protein change: p.Glu237Lys; replaces glutamic acid 237 with lysine.
Molecular consequence: missense variant. On other transcripts: non-coding transcript variant (1).
Genome position (GRCh38, 1-based): chr19:49,704,725, G>A. VCF-style: chr19-49704725-G-A. GRCh37 (hg19) VCF-style: chr19-50207982-G-A.
Other names: c.709G>A, p.Glu237Lys (NM_001136052.3, NM_001199752.3, NM_001378482.1 and 7 more transcripts); c.709G>A (NM_001199752.1); short protein forms E237K.
Identifiers: ClinVar variation 2909445 (VCV002909445.4), dbSNP rs1600108164, ClinGen allele CA406901968.

ClinVar aggregate classification (germline): Uncertain significance. Review status: criteria provided, multiple submitters, no conflicts (2 of 4 stars). 2 submissions from 2 submitters: Uncertain significance (2). Last evaluated 2025-08-13.

Conditions:
Hereditary spastic paraplegia 73. Also called: Spastic paraplegia 73, autosomal dominant. Identifiers: Orphanet 444099, MedGen C5568981, MONDO:0014568, OMIM 616282.

Allele frequency attached by ClinVar (database versions not stated): gnomAD exomes below 0.00001; TOPMed 0.00001.
gnomAD v4.1: 3 of 1,613,918 alleles (0.00019%); highest among the groups gnomAD compares: Non-Finnish European, 0.000085%; no homozygotes.

Submissions (2):

Ambry Genetics
Classification: Uncertain significance. Last evaluated: 2025-08-13. Review status: criteria provided, single submitter. Criteria: Ambry Variant Classification Scheme 2023. Collection method: clinical testing. Allele origin: germline.

Labcorp Genetics (formerly Invitae), Labcorp
Classification: Uncertain significance for Hereditary spastic paraplegia 73. Last evaluated: 2023-07-17. Review status: criteria provided, single submitter. Criteria: Invitae Variant Classification Sherloc (09022015). Collection method: clinical testing. Allele origin: germline.
Comment: In summary, the available evidence is currently insufficient to determine the role of this variant in disease. Therefore, it has been classified as a Variant of Uncertain Significance. Advanced modeling of protein sequence and biophysical properties (such as structural, functional, and spatial information, amino acid conservation, physicochemical variation, residue mobility, and thermodynamic stability) performed at Invitae indicates that this missense variant is not expected to disrupt CPT1C protein function. This variant has not been reported in the literature in individuals affected with CPT1C-related conditions. This variant is not present in population databases (gnomAD no frequency). This sequence change replaces glutamic acid, which is acidic and polar, with lysine, which is basic and polar, at codon 237 of the CPT1C protein (p.Glu237Lys).